The following is an entry in ClinVar:

NM_001113491.2(SEPTIN9):c.1584C>G (p.Thr528=)

Gene: SEPTIN9 (septin 9; plus strand). Cytogenetic location: 17q25.3.
Variant type: single nucleotide variant.
Coding change: c.1584C>G on transcript NM_001113491.2 (MANE Select); coding-DNA position 1584, C replaced by G.
Protein change: p.Thr528=; no amino-acid change (threonine 528 retained).
Molecular consequence: synonymous variant.
Genome position (GRCh38, 1-based): chr17:77,497,325, C>G. VCF-style: chr17-77497325-C-G. GRCh37 (hg19) VCF-style: chr17-75493407-C-G.
Other names: c.1092C>G, p.Thr364= (NM_001113492.2, NM_001113494.1); c.1563C>G, p.Thr521= (NM_001113493.2); c.831C>G, p.Thr277= (NM_001113495.2, NM_001113496.2, NM_001293697.2 and 1 more transcripts); c.1527C>G, p.Thr509= (NM_001293695.2); c.912C>G, p.Thr304= (NM_001293696.2); c.1530C>G, p.Thr510= (NM_006640.5).
Identifiers: ClinVar variation 325567 (VCV000325567.12), dbSNP rs373520148, ClinGen allele CA8793860.

ClinVar aggregate classification (germline): Benign/Likely benign. Review status: criteria provided, multiple submitters, no conflicts (2 of 4 stars). 2 submissions from 2 submitters: Benign (1); Likely benign (1). Last evaluated 2021-03-17.

Conditions:
Amyotrophic neuralgia (HNA). Also called: Hereditary Brachial Plexus Neuropathy; Neuritis with Brachial Predilection; AMYOTROPHY, HEREDITARY NEURALGIC, WITH PREDILECTION FOR BRACHIAL PLEXUS; AMYOTROPHY, HEREDITARY NEURALGIC. Identifiers: Orphanet 2901, MedGen C1834304, MONDO:0008076, OMIM 162100.

Allele frequency attached by ClinVar (database versions not stated): gnomAD 0.00001; gnomAD exomes 0.00001 and 0.00002; TOPMed 0.00001; ExAC 0.00003; ESP Exome Variant Server 0.00008.
gnomAD v4.1: 23 of 1,613,684 alleles (0.0014%); highest among the groups gnomAD compares: Non-Finnish European, 0.0019%; no homozygotes.

Submissions (2):

Labcorp Genetics (formerly Invitae), Labcorp
Classification: Likely benign. Last evaluated: 2021-03-17. Review status: criteria provided, single submitter. Criteria: Invitae Variant Classification Sherloc (09022015). Collection method: clinical testing. Allele origin: germline.

Illumina Laboratory Services, Illumina
Classification: Benign for Amyotrophy, hereditary neuralgic. Last evaluated: 2018-01-13. Review status: criteria provided, single submitter. Criteria: ICSL Variant Classification Criteria 13 December 2019. Collection method: clinical testing. Allele origin: germline.
Comment: This variant was observed in the ICSL laboratory as part of a predisposition screen in an ostensibly healthy population. It had not been previously curated by ICSL or reported in the Human Gene Mutation Database (HGMD: prior to June 1st, 2018), and was therefore a candidate for classification through an automated scoring system. Utilizing variant allele frequency, disease prevalence and penetrance estimates, and inheritance mode, an automated score was calculated to assess if this variant is too frequent to cause the disease. Based on the score and internal cut-off values, a variant classified as benign is not then subjected to further curation. The score for this variant resulted in a classification of benign for this disease.